The following is an entry in ClinVar:

NM_032638.5(GATA2):c.-3del

Gene: GATA2 (GATA binding protein 2; minus strand). Cytogenetic location: 3q21.3.
Variant type: Deletion.
Coding change: c.-3del on transcript NM_032638.5 (MANE Select); 3 bases upstream of the start codon, one base deleted (G; older notation c.-3delG).
Molecular consequence: 5 prime UTR variant.
Genome position (GRCh38, 1-based): chr3:128,487,034, C deleted on the plus strand (G on the coding strand, the reverse complement: GATA2 is on the minus strand); the first of 2 consecutive C bases (chr3:128,487,034-128,487,035); deleting either gives the same sequence. VCF-style (leftmost placement, unchanged base first): chr3-128487033-GC-G. GRCh37 (hg19) VCF-style: chr3-128205876-GC-G.
Other names: c.-3del (NM_001145661.2, NM_001145662.1); c.-3delG (NM_032638.4).
Identifiers: ClinVar variation 5022221 (VCV005022221.1).

ClinVar aggregate classification (germline): Uncertain significance (1 of 4 stars; one submission).

Conditions:
Inborn genetic diseases. Identifiers: MedGen C0950123, MeSH D030342.

Submission:

Ambry Genetics
Classification: Uncertain significance for Inborn genetic diseases. Last evaluated: 2026-08-14. Review status: criteria provided, single submitter. Criteria: Ambry Variant Classification Scheme 2023. Collection method: clinical testing. Allele origin: germline.
Comment: The c.-3delG variant is located in the 5' untranslated region (5&rsquo; UTR) of the GATA2 gene. This variant results from the deletion of a single nucleotide 3 bases upstream from the first translated codon. This nucleotide position is well conserved in available vertebrate species. Based on the available evidence, the clinical significance of this variant remains unclear.